The following is an entry in ClinVar:

ClinVar aggregate classification (germline): Likely benign (1 of 4 stars; one submission).

gnomAD v4.1: 1 of 1,611,856 alleles (0.000062%); highest among the groups gnomAD compares: Non-Finnish European, 0.000085%; no homozygotes.

Submission:

CeGaT Center for Human Genetics Tuebingen
Classification: Likely benign. Last evaluated: 2025-07-01. Review status: criteria provided, single submitter. Criteria: CeGaT Center For Human Genetics Tuebingen Variant Classification Criteria Version 2. Collection method: clinical testing. Allele origin: germline. Affected: yes. Observed: 1 variant allele.
Comment: KMT2C: BP4, BP7

NM_170606.3(KMT2C):c.2721A>G (p.Arg907=)

Gene: KMT2C (lysine methyltransferase 2C; minus strand). Cytogenetic location: 7q36.1.
Variant type: single nucleotide variant.
Coding change: c.2721A>G on transcript NM_170606.3 (MANE Select); coding-DNA position 2721, A replaced by G.
Protein change: p.Arg907=; no amino-acid change (arginine 907 retained).
Molecular consequence: synonymous variant.
Genome position (GRCh38, 1-based): chr7:152,235,865, T>C on the plus strand (A>G on the coding strand, the complement: KMT2C is on the minus strand). VCF-style: chr7-152235865-T-C. GRCh37 (hg19) VCF-style: chr7-151932950-T-C.
Identifiers: ClinVar variation 4084604 (VCV004084604.8).